The following is an entry in ClinVar:

ClinVar aggregate classification (germline): Uncertain significance (1 of 4 stars; one submission).

Conditions:
Episodic ataxia type 1 (EA1). Also called: Episodic ataxia/myokymia syndrome; ATAXIA, EPISODIC, WITH MYOKYMIA; MYOKYMIA WITH PERIODIC ATAXIA; PAROXYSMAL ATAXIA WITH NEUROMYOTONIA, HEREDITARY. Identifiers: Orphanet 37612, Orphanet 972, MedGen C1719788, MONDO:0008047, OMIM 160120.

Submission:

Labcorp Genetics (formerly Invitae), Labcorp
Classification: Uncertain significance for Episodic ataxia type 1. Last evaluated: 2023-08-03. Review status: criteria provided, single submitter. Criteria: Invitae Variant Classification Sherloc (09022015). Collection method: clinical testing. Allele origin: germline.
Comment: This variant disrupts the p.Glu325 amino acid residue in KCNA1. Other variant(s) that disrupt this residue have been determined to be pathogenic (PMID: 8541859, 21307345). This suggests that this residue is clinically significant, and that variants that disrupt this residue are likely to be disease-causing. Advanced modeling of protein sequence and biophysical properties (such as structural, functional, and spatial information, amino acid conservation, physicochemical variation, residue mobility, and thermodynamic stability) performed at Invitae indicates that this missense variant is expected to disrupt KCNA1 protein function. This variant has not been reported in the literature in individuals affected with KCNA1-related conditions. This variant is not present in population databases (gnomAD no frequency). This sequence change replaces glutamic acid, which is acidic and polar, with lysine, which is basic and polar, at codon 325 of the KCNA1 protein (p.Glu325Lys). In summary, the available evidence is currently insufficient to determine the role of this variant in disease. Therefore, it has been classified as a Variant of Uncertain Significance.

Literature cited by the submitters: PubMed 8541859; PubMed 21307345.

NM_000217.3(KCNA1):c.973G>A (p.Glu325Lys)

Gene: KCNA1 (potassium voltage-gated channel subfamily A member 1; plus strand). Cytogenetic location: 12p13.32.
Variant type: single nucleotide variant.
Coding change: c.973G>A on transcript NM_000217.3 (MANE Select); coding-DNA position 973, G replaced by A.
Protein change: p.Glu325Lys; replaces glutamic acid 325 with lysine.
Molecular consequence: missense variant.
Genome position (GRCh38, 1-based): chr12:4,912,351, G>A. VCF-style: chr12-4912351-G-A. GRCh37 (hg19) VCF-style: chr12-5021517-G-A.
Other names: short protein forms E325K.
Identifiers: ClinVar variation 2749673 (VCV002749673.3), dbSNP rs2497353506, ClinGen allele CA383455751.